The following is an entry in ClinVar:

ClinVar aggregate classification (germline): Uncertain significance (1 of 4 stars; one submission).

Submission:

Labcorp Genetics (formerly Invitae), Labcorp
Classification: Uncertain significance. Last evaluated: 2022-07-27. Review status: criteria provided, single submitter. Criteria: Invitae Variant Classification Sherloc (09022015). Collection method: clinical testing. Allele origin: germline.
Comment: In summary, the available evidence is currently insufficient to determine the role of this variant in disease. Therefore, it has been classified as a Variant of Uncertain Significance. Advanced modeling of protein sequence and biophysical properties (such as structural, functional, and spatial information, amino acid conservation, physicochemical variation, residue mobility, and thermodynamic stability) performed at Invitae indicates that this missense variant is not expected to disrupt LRP2 protein function. ClinVar contains an entry for this variant (Variation ID: 1511316). This variant has not been reported in the literature in individuals affected with LRP2-related conditions. This variant is not present in population databases (gnomAD no frequency). This sequence change replaces alanine, which is neutral and non-polar, with threonine, which is neutral and polar, at codon 641 of the LRP2 protein (p.Ala641Thr).

NM_004525.3(LRP2):c.1921G>A (p.Ala641Thr)

Gene: LRP2 (LDL receptor related protein 2; minus strand). Cytogenetic location: 2q31.1.
Variant type: single nucleotide variant.
Coding change: c.1921G>A on transcript NM_004525.3 (MANE Select); coding-DNA position 1921, G replaced by A.
Protein change: p.Ala641Thr; replaces alanine 641 with threonine.
Molecular consequence: missense variant.
Genome position (GRCh38, 1-based): chr2:169,275,090, C>T on the plus strand (G>A on the coding strand, the complement: LRP2 is on the minus strand). VCF-style: chr2-169275090-C-T. GRCh37 (hg19) VCF-style: chr2-170131600-C-T.
Other names: short protein forms A641T.
Identifiers: ClinVar variation 1511316 (VCV001511316.8), dbSNP rs766780748, ClinGen allele CA349143246.
Genomic context (GRCh38, chr2:169,275,090, plus strand): 5'-GCTTACCATAGGGCTGTCTGAGGGAATGGTAAACAGTCACTCCATAGGGCCTCAGGGAAG[C>T]CTGGTAGTACACTTGTGGGTTGGTCTCTGTGAACTTGTTTGCCTTCAGCACGGCCATCTT-3'
Protein context (NP_004516.2, residues 631-651): TETNPQVYYQ[Ala641Thr]SLRPYGVTVY